The following is an entry in ClinVar:

NM_177438.3(DICER1):c.2805-9C>T

Gene: DICER1 (dicer 1, ribonuclease III; minus strand). Cytogenetic location: 14q32.13.
Variant type: single nucleotide variant.
Coding change: c.2805-9C>T on transcript NM_177438.3 (MANE Select); 9 bases into the intron before coding-DNA position 2805, C replaced by T.
Molecular consequence: intron variant.
Genome position (GRCh38, 1-based): chr14:95,106,232, G>A on the plus strand (C>T on the coding strand, the complement: DICER1 is on the minus strand). VCF-style: chr14-95106232-G-A. GRCh37 (hg19) VCF-style: chr14-95572569-G-A.
Other names: c.2805-9C>T (NM_001291628.2, NM_030621.4, NM_001271282.3 and 1 more transcripts).
Identifiers: ClinVar variation 242072 (VCV000242072.14), dbSNP rs774194760, ClinGen allele CA7331163.

ClinVar aggregate classification (germline): Likely benign. Review status: criteria provided, multiple submitters, no conflicts (2 of 4 stars). 2 submissions from 2 submitters: Likely benign (2). Last evaluated 2026-04-13.

Conditions:
DICER1-related tumor predisposition. Also called: DICER1-related pleuropulmonary blastoma cancer predisposition syndrome; DICER1 syndrome. Identifiers: Orphanet 284343, MedGen C3839822, MONDO:0100216.

Allele frequency attached by ClinVar (database versions not stated): ExAC 0.00003.

Submissions (2):

Myriad Genetics, Inc.
Classification: Likely benign for DICER1-related tumor predisposition. Last evaluated: 2026-04-13. Review status: criteria provided, single submitter. Criteria: Myriad Autosomal Dominant, Autosomal Recessive and X-Linked Classification Criteria (2023). Collection method: clinical testing. Allele origin: unknown.
Comment: This variant is considered likely benign. This variant is intronic and is not expected to impact mRNA splicing.

Labcorp Genetics (formerly Invitae), Labcorp
Classification: Likely benign for DICER1-related tumor predisposition. Last evaluated: 2025-08-06. Review status: criteria provided, single submitter. Criteria: Invitae Variant Classification Sherloc (09022015). Collection method: clinical testing. Allele origin: germline.